The following is an entry in ClinVar:

ClinVar aggregate classification (germline): Uncertain significance (1 of 4 stars; one submission).

Conditions:
UROC1-related disorder. Also called: UROC1-related condition.

Submission:

PreventionGenetics, part of Exact Sciences
Classification: Uncertain significance for UROC1-related condition. Last evaluated: 2025-01-21. Review status: criteria provided, single submitter. Criteria: ACMG Guidelines, 2015. Collection method: clinical testing. Allele origin: germline.
Comment: The UROC1 c.814-6_850del43 variant is predicted to result in a deletion affecting a canonical splice site. To our knowledge, this variant has not been reported in the literature. This variant is reported in 0.048% of alleles in individuals of African descent in gnomAD. Loss of function has not be a well documented mechanism of UROC1-related disease. Although we suspect that this variant may be pathogenic, at this time, the clinical significance of this variant is uncertain due to the absence of conclusive functional and genetic evidence.

NM_144639.3(UROC1):c.814-6_850del

Gene: UROC1 (urocanate hydratase 1; minus strand). Cytogenetic location: 3q21.3.
Variant type: Deletion.
Coding change: c.814-6_850del on transcript NM_144639.3 (MANE Select); 6 bases into the intron before coding-DNA position 814 through coding-DNA position 850, 43 bases deleted.
Molecular consequence: splice acceptor variant.
Genome position (GRCh38, 1-based): chr3:126,504,047-126,504,089, 43 bases deleted; deleting any 43 consecutive bases within chr3:126,504,047-126,504,091 gives the same sequence; the c. name uses the placement nearest the transcript's 3' end. GRCh37 (hg19): chr3:126,222,892-126,222,934.
Other names: c.814-6_850del (NM_001165974.2).
Identifiers: ClinVar variation 4979978 (VCV004979978.1).